The following is an entry in ClinVar:

ClinVar aggregate classification (germline): Uncertain significance (1 of 4 stars; one submission).

Conditions:
Hereditary cancer-predisposing syndrome. Also called: Tumor predisposition; Hereditary neoplastic syndrome; Hereditary Cancer Syndrome; Neoplastic Syndromes, Hereditary. Identifiers: Orphanet 140162, MedGen C0027672, MeSH D009386, MONDO:0015356.

gnomAD v4.1: 1 of 1,613,990 alleles (0.000062%); no homozygotes.

Submission:

Ambry Genetics
Classification: Uncertain significance for Hereditary cancer-predisposing syndrome. Last evaluated: 2024-01-22. Review status: criteria provided, single submitter. Criteria: Ambry Variant Classification Scheme 2023. Collection method: clinical testing. Allele origin: germline.
Comment: The p.K513E variant (also known as c.1537A>G), located in coding exon 6 of the BLM gene, results from an A to G substitution at nucleotide position 1537. The lysine at codon 513 is replaced by glutamic acid, an amino acid with similar properties. This amino acid position is conserved. In addition, this alteration is predicted to be tolerated by in silico analysis. Based on the available evidence, the clinical significance of this alteration remains unclear.

NM_000057.4(BLM):c.1537A>G (p.Lys513Glu)

Gene: BLM (BLM RecQ like helicase; plus strand). Cytogenetic location: 15q26.1.
Variant type: single nucleotide variant.
Coding change: c.1537A>G on transcript NM_000057.4 (MANE Select); coding-DNA position 1537, A replaced by G.
Protein change: p.Lys513Glu; replaces lysine 513 with glutamic acid.
Molecular consequence: missense variant.
Genome position (GRCh38, 1-based): chr15:90,760,910, A>G. VCF-style: chr15-90760910-A-G. GRCh37 (hg19) VCF-style: chr15-91304140-A-G.
Other names: c.1537A>G, p.Lys513Glu (NM_001287246.2, NM_001287247.2); c.412A>G, p.Lys138Glu (NM_001287248.2); short protein forms K138E, K513E.
Identifiers: ClinVar variation 3223947 (VCV003223947.1), dbSNP rs1412833703, ClinGen allele CA393843273.